The following is an entry in ClinVar:

ClinVar aggregate classification (germline): Uncertain significance. Review status: criteria provided, multiple submitters, no conflicts (2 of 4 stars). 4 submissions from 4 submitters: Uncertain significance (3). 1 of the submissions does not count toward it. Last evaluated 2025-04-07.

Conditions:
Inborn genetic diseases. Identifiers: MedGen C0950123, MeSH D030342.
Glycogen storage disease type III (GSD3). Also called: Cori disease; FORBES DISEASE. Identifiers: Orphanet 366, MedGen C0017922, MONDO:0009291, OMIM 232400.

Allele frequency attached by ClinVar (database versions not stated): gnomAD exomes 0.00001.

Submissions (4):

Ambry Genetics
Classification: Uncertain significance for Inborn genetic diseases. Last evaluated: 2025-04-07. Review status: criteria provided, single submitter. Criteria: Ambry Variant Classification Scheme 2023. Collection method: clinical testing. Allele origin: germline.

Blueprint Genetics
Classification: Uncertain significance. Last evaluated: 2024-09-26. Review status: criteria provided, single submitter. Criteria: ACMG Guidelines, 2015. Collection method: clinical testing. Allele origin: germline.

Labcorp Genetics (formerly Invitae), Labcorp
Classification: Uncertain significance for Glycogen storage disease type III. Last evaluated: 2022-10-17. Review status: criteria provided, single submitter. Criteria: Invitae Variant Classification Sherloc (09022015). Collection method: clinical testing. Allele origin: germline.
Comment: This sequence change replaces valine, which is neutral and non-polar, with alanine, which is neutral and non-polar, at codon 310 of the AGL protein (p.Val310Ala). This variant is not present in population databases (gnomAD no frequency). This variant has not been reported in the literature in individuals affected with AGL-related conditions. ClinVar contains an entry for this variant (Variation ID: 1418846). Advanced modeling of protein sequence and biophysical properties (such as structural, functional, and spatial information, amino acid conservation, physicochemical variation, residue mobility, and thermodynamic stability) performed at Invitae indicates that this missense variant is not expected to disrupt AGL protein function. Algorithms developed to predict the effect of sequence changes on RNA splicing suggest that this variant may create or strengthen a splice site. In summary, the available evidence is currently insufficient to determine the role of this variant in disease. Therefore, it has been classified as a Variant of Uncertain Significance.

Natera, Inc.
Classification: Uncertain significance for Glycogen storage disease type III. Last evaluated: 2025-05-21. Review status: no assertion criteria provided. Collection method: clinical testing. Allele origin: germline. Not counted in ClinVar's aggregate classification.

NM_000642.3(AGL):c.929T>C (p.Val310Ala)

Gene: AGL (amylo-alpha-1,6-glucosidase and 4-alpha-glucanotransferase; plus strand). Cytogenetic location: 1p21.2.
Variant type: single nucleotide variant.
Coding change: c.929T>C on transcript NM_000642.3 (MANE Select); coding-DNA position 929, T replaced by C.
Protein change: p.Val310Ala; replaces valine 310 with alanine.
Molecular consequence: missense variant.
Genome position (GRCh38, 1-based): chr1:99,870,840, T>C. VCF-style: chr1-99870840-T-C. GRCh37 (hg19) VCF-style: chr1-100336396-T-C.
Other names: c.929T>C (NM_000642.2); c.929T>C, p.Val310Ala (NM_000028.3, NM_000643.3, NM_000644.3 and 3 more transcripts); c.881T>C, p.Val294Ala (NM_000646.3); c.725T>C, p.Val242Ala (NM_001425328.1, NM_001425329.1); c.551T>C, p.Val184Ala (NM_001425332.1); short protein forms V294A, V310A, V184A, V242A.
Identifiers: ClinVar variation 1418846 (VCV001418846.8), dbSNP rs2101113568, ClinGen allele CA341341825.